The following is an entry in ClinVar:

ClinVar aggregate classification (germline): Uncertain significance. Review status: criteria provided, single submitter (1 of 4 stars). 2 submissions from 2 submitters: Uncertain significance (1). 1 of the submissions does not count toward it. Last evaluated 2024-05-05.

Conditions:
Hereditary cancer-predisposing syndrome. Also called: Tumor predisposition; Hereditary neoplastic syndrome; Hereditary Cancer Syndrome; Neoplastic Syndromes, Hereditary. Identifiers: Orphanet 140162, MedGen C0027672, MeSH D009386, MONDO:0015356.

gnomAD v4.1: 1 of 1,614,100 alleles (0.000062%); highest among the groups gnomAD compares: Non-Finnish European, 0.000085%; no homozygotes.

Submissions (2):

Ambry Genetics
Classification: Uncertain significance for Hereditary cancer-predisposing syndrome. Last evaluated: 2024-05-05. Review status: criteria provided, single submitter. Criteria: Ambry Variant Classification Scheme 2023. Collection method: clinical testing. Allele origin: germline.
Comment: The p.T150S variant (also known as c.449C>G), located in coding exon 1 of the GREM1 gene, results from a C to G substitution at nucleotide position 449. The threonine at codon 150 is replaced by serine, an amino acid with similar properties. This amino acid position is conserved. In addition, this alteration is predicted to be tolerated by in silico analysis. Since supporting evidence is limited at this time, the clinical significance of this alteration remains unclear.

Department of Pathology and Laboratory Medicine, Sinai Health System
Classification: Uncertain significance. Review status: no assertion criteria provided. Collection method: clinical testing. Allele origin: unknown. Affected: yes. Study: The Canadian Open Genetics Repository (COGR). Not counted in ClinVar's aggregate classification.
Comment: The GREM1 p.Thr109Ser variant was not identified in the literature nor was it identified in dbSNP, ClinVar or Cosmic. The variant was not identified in the following control databases: the 1000 Genomes Project, the NHLBI GO Exome Sequencing Project, the Exome Aggregation Consortium (August 8th 2016), or the Genome Aggregation Database (Feb 27, 2017). The variant occurs outside of the splicing consensus sequence and in silico or computational prediction software programs (SpliceSiteFinder, MaxEntScan, NNSPLICE, and GeneSplicer) do not predict a difference in splicing. The p.Thr109 residue is conserved in mammals and computational analyses (PolyPhen-2, SIFT, AlignGVGD, BLOSUM, and MutationTaster) provide inconsistent predictions regarding the impact to the protein; this information is not very predictive of pathogenicity. In summary, based on the above information the clinical significance of this variant cannot be determined with certainty at this time. This variant is classified as a variant of uncertain significance.

NM_013372.7(GREM1):c.449C>G (p.Thr150Ser)

Gene: GREM1 (gremlin 1, DAN family BMP antagonist; plus strand). Cytogenetic location: 15q13.3.
Variant type: single nucleotide variant.
Coding change: c.449C>G on transcript NM_013372.7 (MANE Select); coding-DNA position 449, C replaced by G.
Protein change: p.Thr150Ser; replaces threonine 150 with serine.
Molecular consequence: missense variant.
Genome position (GRCh38, 1-based): chr15:32,731,139, C>G. VCF-style: chr15-32731139-C-G. GRCh37 (hg19) VCF-style: chr15-33023340-C-G.
Other names: c.239C>G, p.Thr80Ser (NM_001191322.2); c.326C>G, p.Thr109Ser (NM_001191323.2); c.449C>G, p.Thr150Ser (NM_001368719.1); short protein forms T109S, T150S, T80S.
Identifiers: ClinVar variation 1049589 (VCV001049589.4), dbSNP rs202104240, ClinGen allele CA391557980.